The following is an entry in ClinVar:

NC_012920.1(MT-CO2):m.7833T>C

Gene: MT-CO2 (mitochondrially encoded cytochrome c oxidase II; plus strand).
Variant type: single nucleotide variant.
Genome position: chrM-7833-T-C.
Identifiers: ClinVar variation 692785 (VCV000692785.1), dbSNP rs1603221169, ClinGen allele CA414793918.
Genomic context (GRCh38, chrMT:7,833, plus strand): 5'-CCGTCTGAACTATCCTGCCCGCCATCATCCTAGTCCTCATCGCCCTCCCATCCCTACGCA[T>C]CCTTTACATAACAGACGAGGTCAACGATCCCTCCCTTACCATCAAATCAATTGGCCACCA-3'

ClinVar aggregate classification (germline): Uncertain significance (1 of 4 stars; one submission).

Conditions:
Leigh syndrome (NULS). Also called: Leigh's necrotizing encephalopathy; Leigh's disease; Leigh Syndrome (mtDNA deletion); Leigh Disease; Subacute necrotizing encephalopathy; Necrotizing encephalopathy infantile subacute of Leigh. Identifiers: Orphanet 506, MedGen C2931891, MONDO:0009723, OMIM 256000.

Submission:

Wong Mito Lab, Molecular and Human Genetics, Baylor College of Medicine
Classification: Uncertain significance for Leigh syndrome. Last evaluated: 2019-10-17. Review status: criteria provided, single submitter. Criteria: Modified ACMG Guidelines (Unpublished). Collection method: clinical testing. Allele origin: germline.
Comment: The NC_012920.1:m.7833T>C (YP_003024029.1:p.Ile83Thr) variant in MTCO2 gene is interpretated to be a Uncertain Significance variant based on the modified ACMG guidelines (unpublished). This variant meets the following evidence codes: PP7